The following is an entry in ClinVar:

NM_000397.4(CYBB):c.674+62dup

Gene: CYBB (cytochrome b-245 beta chain; plus strand). Cytogenetic location: Xp21.1.
Variant type: Duplication.
Coding change: c.674+62dup on transcript NM_000397.4 (MANE Select); 62 bases into the intron after coding-DNA position 674, one base duplicated (C; older notation c.674+62dupC).
Molecular consequence: intron variant.
Genome position (GRCh38, 1-based): chrX:37,796,203, C duplicated; the last of 2 consecutive C bases (chrX:37,796,202-37,796,203); duplicating either gives the same sequence. VCF-style (leftmost placement, unchanged base first): chrX-37796201-T-TC. GRCh37 (hg19) VCF-style: chrX-37655454-T-TC.
Other names: c.674+62dupC (NM_000397.3).
Identifiers: ClinVar variation 633184 (VCV000633184.1), dbSNP rs1569479419, ClinGen allele CA913190352.

ClinVar aggregate classification (germline): Uncertain significance (1 of 4 stars; one submission).

Submission:

Women's Health and Genetics/Laboratory Corporation of America, LabCorp
Classification: Uncertain significance. Last evaluated: 2017-10-25. Review status: criteria provided, single submitter. Criteria: LabCorp Variant Classification Summary - May 2015. Collection method: clinical testing. Allele origin: germline.
Comment: Variant summary: The CYBB c.674+61dupC variant involves the duplication of a cytosine nucleotide 61 base pairs away from the exon-intron junction. One in silico tool predicts a benign outcome for this variant. 4/5 splice prediction tools predict no significant impact on normal splicing. However, these predictions have yet to be confirmed by functional studies. This variant is absent in 175510 control chromosomes and has not, to our knowledge, been reported in affected individuals via publications and/or reputable databases/clinical diagnostic laboratories. Taken together, this variant is classified as VUS-possibly benign.